The following is an entry in ClinVar:

ClinVar aggregate classification (germline): Uncertain significance. Review status: criteria provided, multiple submitters, no conflicts (2 of 4 stars). 3 submissions from 3 submitters: Uncertain significance (3). Last evaluated 2026-07-16.

Conditions:
Diffuse cerebral and cerebellar atrophy - intractable seizures - progressive microcephaly syndrome. Also called: Microcephaly, progressive, with seizures and cerebral and cerebellar atrophy. Identifiers: Orphanet 404437, MedGen C4014239, MONDO:0014335, OMIM 615760.
QARS1-related disorder. Also called: QARS1-related condition.
Inborn genetic diseases. Identifiers: MedGen C0950123, MeSH D030342.

Allele frequency attached by ClinVar (database versions not stated): gnomAD exomes 0.00001 and 0.00006; TOPMed 0.00002; gnomAD 0.00004.

Submissions (3):

PreventionGenetics, part of Exact Sciences
Classification: Uncertain significance for QARS1-related condition. Last evaluated: 2026-07-16. Review status: criteria provided, single submitter. Criteria: ACMG Guidelines, 2015. Collection method: clinical testing. Allele origin: germline.
Comment: The QARS1 c.2218A>C variant is predicted to result in the amino acid substitution p.Lys740Gln. To our knowledge, this variant has not been reported in the literature. This variant is reported in 0.0031% of alleles in individuals of European (Non-Finnish) descent in gnomAD. At this time, the clinical significance of this variant is uncertain due to the absence of conclusive functional and genetic evidence.

Ambry Genetics
Classification: Uncertain significance for Inborn genetic diseases. Last evaluated: 2025-09-01. Review status: criteria provided, single submitter. Criteria: Ambry Variant Classification Scheme 2023. Collection method: clinical testing. Allele origin: germline.

Labcorp Genetics (formerly Invitae), Labcorp
Classification: Uncertain significance for Diffuse cerebral and cerebellar atrophy - intractable seizures - progressive microcephaly syndrome. Last evaluated: 2023-08-30. Review status: criteria provided, single submitter. Criteria: Invitae Variant Classification Sherloc (09022015). Collection method: clinical testing. Allele origin: germline.
Comment: In summary, the available evidence is currently insufficient to determine the role of this variant in disease. Therefore, it has been classified as a Variant of Uncertain Significance. Advanced modeling of protein sequence and biophysical properties (such as structural, functional, and spatial information, amino acid conservation, physicochemical variation, residue mobility, and thermodynamic stability) has been performed at Invitae for this missense variant, however the output from this modeling did not meet the statistical confidence thresholds required to predict the impact of this variant on QARS protein function. ClinVar contains an entry for this variant (Variation ID: 544140). This variant has not been reported in the literature in individuals affected with QARS-related conditions. This variant is present in population databases (no rsID available, gnomAD 0.003%). This sequence change replaces lysine, which is basic and polar, with glutamine, which is neutral and polar, at codon 740 of the QARS protein (p.Lys740Gln).

NM_005051.3(QARS1):c.2218A>C (p.Lys740Gln)

Gene: QARS1 (glutaminyl-tRNA synthetase 1; minus strand). Cytogenetic location: 3p21.31.
Variant type: single nucleotide variant.
Coding change: c.2218A>C on transcript NM_005051.3 (MANE Select); coding-DNA position 2218, A replaced by C.
Protein change: p.Lys740Gln; replaces lysine 740 with glutamine.
Molecular consequence: missense variant. On other transcripts: non-coding transcript variant (1).
Genome position (GRCh38, 1-based): chr3:49,098,051, T>G on the plus strand (A>C on the coding strand, the complement: QARS1 is on the minus strand). VCF-style: chr3-49098051-T-G. GRCh37 (hg19) VCF-style: chr3-49135484-T-G.
Other names: c.2185A>C, p.Lys729Gln (NM_001272073.2); c.2218A>C (NM_005051.1); short protein forms K740Q, K729Q.
Identifiers: ClinVar variation 544140 (VCV000544140.7), dbSNP rs925254000, ClinGen allele CA74472173.